The following is an entry in ClinVar:

ClinVar aggregate classification (germline): Uncertain significance (1 of 4 stars; one submission).

Conditions:
CHAMP1-related disorder. Also called: CHAMP1-related condition.

Submission:

PreventionGenetics, part of Exact Sciences
Classification: Uncertain significance for CHAMP1-related condition. Last evaluated: 2026-08-02. Review status: criteria provided, single submitter. Criteria: ACMG Guidelines, 2015. Collection method: clinical testing. Allele origin: germline.
Comment: The CHAMP1 c.1454T>C variant is predicted to result in the amino acid substitution p.Phe485Ser. To our knowledge, this variant has not been reported in the literature or in a large population database (gnomAD), indicating this variant is rare. At this time, the clinical significance of this variant is uncertain due to the absence of conclusive functional and genetic evidence.

NM_032436.4(CHAMP1):c.1454T>C (p.Phe485Ser)

Gene: CHAMP1 (chromosome alignment maintaining phosphoprotein 1; plus strand). Cytogenetic location: 13q34.
Variant type: single nucleotide variant.
Coding change: c.1454T>C on transcript NM_032436.4 (MANE Select); coding-DNA position 1454, T replaced by C.
Protein change: p.Phe485Ser; replaces phenylalanine 485 with serine.
Molecular consequence: missense variant.
Genome position (GRCh38, 1-based): chr13:114,325,296, T>C. VCF-style: chr13-114325296-T-C. GRCh37 (hg19) VCF-style: chr13-115090771-T-C.
Other names: c.1454T>C, p.Phe485Ser (NM_001164144.3, NM_001164145.3); short protein forms F485S.
Identifiers: ClinVar variation 4982576 (VCV004982576.1).